The following is an entry in ClinVar:

NM_004369.4(COL6A3):c.1568T>C (p.Leu523Pro)

Gene: COL6A3 (collagen type VI alpha 3 chain; minus strand). Cytogenetic location: 2q37.3.
Variant type: single nucleotide variant.
Coding change: c.1568T>C on transcript NM_004369.4 (MANE Select); coding-DNA position 1568, T replaced by C.
Protein change: p.Leu523Pro; replaces leucine 523 with proline.
Molecular consequence: missense variant.
Genome position (GRCh38, 1-based): chr2:237,381,244, A>G on the plus strand (T>C on the coding strand, the complement: COL6A3 is on the minus strand). VCF-style: chr2-237381244-A-G. GRCh37 (hg19) VCF-style: chr2-238289887-A-G.
Other names: c.347T>C, p.Leu116Pro (NM_057164.5, NM_057166.5); c.950T>C, p.Leu317Pro (NM_057165.5, NM_057167.4); short protein forms L116P, L523P, L317P.
Identifiers: ClinVar variation 2711573 (VCV002711573.3), dbSNP rs2469929389, ClinGen allele CA351217602.

ClinVar aggregate classification (germline): Uncertain significance (1 of 4 stars; one submission).

Conditions:
Bethlem myopathy 1A. Also called: MYOPATHY, BENIGN CONGENITAL, WITH CONTRACTURES; Bethlem myopathy 1; Bethlem Muscular Dystrophy. Identifiers: Orphanet 610, MedGen CN029274, MONDO:0024530, OMIM 158810.

Allele frequency attached by ClinVar (database versions not stated): gnomAD exomes below 0.00001.
gnomAD v4.1: 2 of 1,614,268 alleles (0.00012%); highest among the groups gnomAD compares: Non-Finnish European, 0.000085%; no homozygotes.

Submission:

Labcorp Genetics (formerly Invitae), Labcorp
Classification: Uncertain significance for Bethlem myopathy 1A. Last evaluated: 2023-07-07. Review status: criteria provided, single submitter. Criteria: Invitae Variant Classification Sherloc (09022015). Collection method: clinical testing. Allele origin: germline.
Comment: This sequence change replaces leucine, which is neutral and non-polar, with proline, which is neutral and non-polar, at codon 523 of the COL6A3 protein (p.Leu523Pro). This variant is not present in population databases (gnomAD no frequency). This variant has not been reported in the literature in individuals affected with COL6A3-related conditions. Advanced modeling of protein sequence and biophysical properties (such as structural, functional, and spatial information, amino acid conservation, physicochemical variation, residue mobility, and thermodynamic stability) performed at Invitae indicates that this missense variant is not expected to disrupt COL6A3 protein function. In summary, the available evidence is currently insufficient to determine the role of this variant in disease. Therefore, it has been classified as a Variant of Uncertain Significance.